The following is an entry in ClinVar:

NM_002691.4(POLD1):c.4G>T (p.Asp2Tyr)

Gene: POLD1 (DNA polymerase delta 1, catalytic subunit; plus strand). Cytogenetic location: 19q13.33.
Variant type: single nucleotide variant.
Coding change: c.4G>T on transcript NM_002691.4 (MANE Select); coding-DNA position 4, G replaced by T.
Protein change: p.Asp2Tyr; replaces aspartic acid 2 with tyrosine.
Molecular consequence: missense variant. On other transcripts: non-coding transcript variant (1).
Genome position (GRCh38, 1-based): chr19:50,398,855, G>T. VCF-style: chr19-50398855-G-T. GRCh37 (hg19) VCF-style: chr19-50902112-G-T.
Other names: c.4G>T, p.Asp2Tyr (NM_001256849.1, NM_001308632.1); short protein forms D2Y.
Identifiers: ClinVar variation 2016643 (VCV002016643.4), dbSNP rs2038467819, ClinGen allele CA406969959.
Genomic context (GRCh38, chr19:50,398,855, plus strand): 5'-CAGGGTAAGAGGTGTCTCCGGTCAGAACCTCCACCAAGCTCCAACTTGCCCAGCAGGATG[G>T]ATGGCAAGCGGCGGCCAGGCCCAGGGCCCGGGGTGCCCCCAAAGCGGGCCCGTGGGGGCC-3'
Protein context (NP_002682.2, residues 1-12): M[Asp2Tyr]GKRRPGPGPG

ClinVar aggregate classification (germline): Uncertain significance (1 of 4 stars; one submission).

Conditions:
POLD1-related polyposis and colorectal cancer syndrome (CRCS10). Also called: Colorectal cancer 10; COLORECTAL CANCER, SUSCEPTIBILITY TO, ON CHROMOSOME 19q; Colorectal cancer, susceptibility to, 10. Identifiers: Orphanet 220460, MedGen C2675481, MONDO:0012953, OMIM 612591.

Submission:

Labcorp Genetics (formerly Invitae), Labcorp
Classification: Uncertain significance for POLD1-related polyposis and colorectal cancer syndrome. Last evaluated: 2023-04-22. Review status: criteria provided, single submitter. Criteria: Invitae Variant Classification Sherloc (09022015). Collection method: clinical testing. Allele origin: germline.
Comment: In summary, the available evidence is currently insufficient to determine the role of this variant in disease. Therefore, it has been classified as a Variant of Uncertain Significance. Algorithms developed to predict the effect of missense changes on protein structure and function output the following: SIFT: "Not Available"; PolyPhen-2: "Not Available"; Align-GVGD: "Not Available". The tyrosine amino acid residue is found in multiple mammalian species, which suggests that this missense change does not adversely affect protein function. ClinVar contains an entry for this variant (Variation ID: 2016643). This variant has not been reported in the literature in individuals affected with POLD1-related conditions. This variant is not present in population databases (gnomAD no frequency). This sequence change replaces aspartic acid, which is acidic and polar, with tyrosine, which is neutral and polar, at codon 2 of the POLD1 protein (p.Asp2Tyr).